The following is an entry in ClinVar:

NM_006767.4(LZTR1):c.321-6C>G

Gene: LZTR1 (leucine zipper like post translational regulator 1; plus strand). Cytogenetic location: 22q11.21.
Variant type: single nucleotide variant.
Coding change: c.321-6C>G on transcript NM_006767.4 (MANE Select); 6 bases into the intron before coding-DNA position 321, C replaced by G.
Molecular consequence: intron variant.
Genome position (GRCh38, 1-based): chr22:20,987,498, C>G. VCF-style: chr22-20987498-C-G. GRCh37 (hg19) VCF-style: chr22-21341787-C-G.
Identifiers: ClinVar variation 3693768 (VCV003693768.2).

ClinVar aggregate classification (germline): Uncertain significance (1 of 4 stars; one submission).

Submission:

Labcorp Genetics (formerly Invitae), Labcorp
Classification: Uncertain significance. Last evaluated: 2025-04-10. Review status: criteria provided, single submitter. Criteria: Invitae Variant Classification Sherloc (09022015). Collection method: clinical testing. Allele origin: germline.
Comment: This sequence change falls in intron 3 of the LZTR1 gene. It does not directly change the encoded amino acid sequence of the LZTR1 protein. This variant is not present in population databases (gnomAD no frequency). This variant has not been reported in the literature in individuals affected with LZTR1-related conditions. ClinVar contains an entry for this variant (Variation ID: 3693768). Algorithms developed to predict the effect of sequence changes on RNA splicing suggest that this variant may disrupt the consensus splice site. In summary, the available evidence is currently insufficient to determine the role of this variant in disease. Therefore, it has been classified as a Variant of Uncertain Significance.